The following is an entry in ClinVar:

ClinVar aggregate classification (germline): Uncertain significance (1 of 4 stars; one submission).

Allele frequency attached by ClinVar (database versions not stated): gnomAD exomes below 0.00001 and 0.00001; TOPMed below 0.00001; gnomAD 0.00001.
gnomAD v4.1: 4 of 1,613,800 alleles (0.00025%); highest among the groups gnomAD compares: Admixed American, 0.0033%; no homozygotes.

Submission:

Labcorp Genetics (formerly Invitae), Labcorp
Classification: Uncertain significance. Last evaluated: 2023-08-17. Review status: criteria provided, single submitter. Criteria: Invitae Variant Classification Sherloc (09022015). Collection method: clinical testing. Allele origin: germline.
Comment: This sequence change replaces asparagine, which is neutral and polar, with aspartic acid, which is acidic and polar, at codon 625 of the AGBL5 protein (p.Asn625Asp). This variant is present in population databases (no rsID available, gnomAD 0.003%). This variant has not been reported in the literature in individuals affected with AGBL5-related conditions. ClinVar contains an entry for this variant (Variation ID: 1421748). An algorithm developed to predict the effect of missense changes on protein structure and function (PolyPhen-2) suggests that this variant¬†is likely to be tolerated. Algorithms developed to predict the effect of sequence changes on RNA splicing suggest that this variant may disrupt the consensus splice site. In summary, the available evidence is currently insufficient to determine the role of this variant in disease. Therefore, it has been classified as a Variant of Uncertain Significance.

NM_021831.6(AGBL5):c.1873A>G (p.Asn625Asp)

Gene: AGBL5 (AGBL carboxypeptidase 5; plus strand). Cytogenetic location: 2p23.3.
Variant type: single nucleotide variant.
Coding change: c.1873A>G on transcript NM_021831.6 (MANE Select); coding-DNA position 1873, A replaced by G.
Protein change: p.Asn625Asp; replaces asparagine 625 with aspartic acid.
Molecular consequence: missense variant. On other transcripts: non-coding transcript variant (2).
Genome position (GRCh38, 1-based): chr2:27,058,601, A>G. VCF-style: chr2-27058601-A-G. GRCh37 (hg19) VCF-style: chr2-27281469-A-G.
Other names: c.1873A>G, p.Asn625Asp (NM_001035507.3); short protein forms N625D.
Identifiers: ClinVar variation 1421748 (VCV001421748.5), dbSNP rs1441412620, ClinGen allele CA346187120.
Genomic context (GRCh38, chr2:27,058,601, plus strand): 5'-AGCACTCTGAATGTGGGTGTCAACAAGAAGAGGGGCCTTCGAACTCCACCCAAAAGTCAC[A>G]AGTAAGGCCAGCAAAATAGGAGGGAGAAAGGGTAGGACAGTGGGACAGGGCTCTAGAGCT-3'
Protein context (NP_068603.4, residues 615-635): RGLRTPPKSH[Asn625Asp]GLPVSCSENT